The following is an entry in ClinVar:

NM_145290.4(ADGRA3):c.3545G>A (p.Ser1182Asn)

Gene: ADGRA3 (adhesion G protein-coupled receptor A3; minus strand). Cytogenetic location: 4p15.2.
Variant type: single nucleotide variant.
Coding change: c.3545G>A on transcript NM_145290.4 (MANE Select); coding-DNA position 3545, G replaced by A.
Protein change: p.Ser1182Asn; replaces serine 1182 with asparagine.
Molecular consequence: missense variant.
Genome position (GRCh38, 1-based): chr4:22,388,126, C>T on the plus strand (G>A on the coding strand, the complement: ADGRA3 is on the minus strand). VCF-style: chr4-22388126-C-T. GRCh37 (hg19) VCF-style: chr4-22389749-C-T.
Other names: c.3545G>A (NM_145290.3); short protein forms S1182N.
Identifiers: ClinVar variation 1025285 (VCV001025285.9), dbSNP rs370861136, ClinGen allele CA2873347.

ClinVar aggregate classification (germline): Uncertain significance. Review status: criteria provided, multiple submitters, no conflicts (2 of 4 stars). 2 submissions from 2 submitters: Uncertain significance (2). Last evaluated 2026-01-13.

Conditions:
ADGRA3-related disorder. Also called: ADGRA3-related condition.

Allele frequency attached by ClinVar (database versions not stated): gnomAD 0.00003 and 0.00004; gnomAD exomes 0.00004 and 0.00019; ESP Exome Variant Server 0.00008; TOPMed 0.00009; ExAC 0.00018.
gnomAD v4.1: 60 of 1,614,016 alleles (0.0037%); highest among the groups gnomAD compares: Admixed American, 0.09%; no homozygotes.

Submissions (2):

Labcorp Genetics (formerly Invitae), Labcorp
Classification: Uncertain significance. Last evaluated: 2026-01-13. Review status: criteria provided, single submitter. Criteria: Invitae Variant Classification Sherloc (09022015). Collection method: clinical testing. Allele origin: germline.
Comment: This sequence change replaces serine, which is neutral and polar, with asparagine, which is neutral and polar, at codon 1182 of the ADGRA3 protein (p.Ser1182Asn). This variant is present in population databases (rs370861136, gnomAD 0.1%), and has an allele count higher than expected for a pathogenic variant. This variant has not been reported in the literature in individuals affected with ADGRA3-related conditions. ClinVar contains an entry for this variant (Variation ID: 1025285). An algorithm developed to predict the effect of missense changes on protein structure and function (PolyPhen-2) suggests that this variant is likely to be disruptive. In summary, the available evidence is currently insufficient to determine the role of this variant in disease. Therefore, it has been classified as a Variant of Uncertain Significance.

PreventionGenetics, part of Exact Sciences
Classification: Uncertain significance for ADGRA3-related condition. Last evaluated: 2025-10-05. Review status: criteria provided, single submitter. Criteria: ACMG Guidelines, 2015. Collection method: clinical testing. Allele origin: germline.
Comment: The ADGRA3 c.3545G>A variant is predicted to result in the amino acid substitution p.Ser1182Asn. To our knowledge, this variant has not been reported in the literature. This variant is reported in 0.13% of alleles in individuals of Latino descent in gnomAD, which is likely too frequent to be a primary cause of disease. Although we suspect that this variant may be benign, at this time, the clinical significance of this variant is uncertain due to the absence of conclusive functional and genetic evidence.